The following is an entry in ClinVar:

NM_015909.4(NBAS):c.2443C>T (p.Leu815Phe)

Gene: NBAS (NBAS subunit of NRZ tethering complex; minus strand). Cytogenetic location: 2p24.3.
Variant type: single nucleotide variant.
Coding change: c.2443C>T on transcript NM_015909.4 (MANE Select); coding-DNA position 2443, C replaced by T.
Protein change: p.Leu815Phe; replaces leucine 815 with phenylalanine.
Molecular consequence: missense variant. On other transcripts: non-coding transcript variant (1).
Genome position (GRCh38, 1-based): chr2:15,424,449, G>A on the plus strand (C>T on the coding strand, the complement: NBAS is on the minus strand). VCF-style: chr2-15424449-G-A. GRCh37 (hg19) VCF-style: chr2-15564573-G-A.
Other names: short protein forms L815F.
Identifiers: ClinVar variation 1959810 (VCV001959810.5), dbSNP rs2529058889, ClinGen allele CA345890246.

ClinVar aggregate classification (germline): Uncertain significance (1 of 4 stars; one submission).

Submission:

Labcorp Genetics (formerly Invitae), Labcorp
Classification: Uncertain significance. Last evaluated: 2022-06-28. Review status: criteria provided, single submitter. Criteria: Invitae Variant Classification Sherloc (09022015). Collection method: clinical testing. Allele origin: germline.
Comment: This variant is not present in population databases (gnomAD no frequency). This sequence change replaces leucine, which is neutral and non-polar, with phenylalanine, which is neutral and non-polar, at codon 815 of the NBAS protein (p.Leu815Phe). This variant has not been reported in the literature in individuals affected with NBAS-related conditions. Algorithms developed to predict the effect of missense changes on protein structure and function are either unavailable or do not agree on the potential impact of this missense change (SIFT: "Deleterious"; PolyPhen-2: "Possibly Damaging"; Align-GVGD: "Class C15"). In summary, the available evidence is currently insufficient to determine the role of this variant in disease. Therefore, it has been classified as a Variant of Uncertain Significance.